The following is an entry in ClinVar:

ClinVar aggregate classification (germline): Uncertain significance (1 of 4 stars; one submission).

Conditions:
GREB1L-related disorder. Also called: GREB1L-related condition.

Submission:

PreventionGenetics, part of Exact Sciences
Classification: Uncertain significance for GREB1L-related condition. Last evaluated: 2026-08-03. Review status: criteria provided, single submitter. Criteria: ACMG Guidelines, 2015. Collection method: clinical testing. Allele origin: germline.
Comment: The GREB1L c.989G>A variant is predicted to result in the amino acid substitution p.Arg330Gln. To our knowledge, this variant has not been reported in the literature. This variant is reported in 0.0082% of alleles in individuals of European (Non-Finnish) descent in gnomAD. At this time, the clinical significance of this variant is uncertain due to the absence of conclusive functional and genetic evidence.

NM_001142966.3(GREB1L):c.989G>A (p.Arg330Gln)

Genes: GREB1L (GREB1 like retinoic acid receptor coactivator; plus strand), GREB1L-AS1 (GREB1L antisense RNA 1; minus strand). Cytogenetic location: 18q11.1.
Variant type: single nucleotide variant.
Coding change: c.989G>A on transcript NM_001142966.3 (MANE Select); coding-DNA position 989, G replaced by A.
Protein change: p.Arg330Gln; replaces arginine 330 with glutamine.
Molecular consequence: missense variant.
Genome position (GRCh38, 1-based): chr18:21,440,308, G>A. VCF-style: chr18-21440308-G-A. GRCh37 (hg19) VCF-style: chr18-19020269-G-A.
Other names: c.1118G>A, p.Arg373Gln (NM_001410867.1); c.989G>A, p.Arg330Gln (NM_001410868.1); short protein forms R373Q, R330Q.
Identifiers: ClinVar variation 4978591 (VCV004978591.1).